The following is an entry in ClinVar:

NM_003122.5(SPINK1):c.-108G>T

Gene: SPINK1 (serine peptidase inhibitor Kazal type 1; minus strand). Cytogenetic location: 5q32.
Variant type: single nucleotide variant.
Coding change: c.-108G>T on transcript NM_003122.5; 108 bases upstream of the start codon, G replaced by T.
Molecular consequence: 5 prime UTR variant.
Genome position (GRCh38, 1-based): chr5:147,831,685, C>A on the plus strand (G>T on the coding strand, the complement: SPINK1 is on the minus strand). VCF-style: chr5-147831685-C-A. GRCh37 (hg19) VCF-style: chr5-147211248-C-A.
Other names: c.-108G>T (NM_001354966.2).
Identifiers: ClinVar variation 907379 (VCV000907379.6), dbSNP rs954248964, ClinGen allele CA129690380.

ClinVar aggregate classification (germline): Uncertain significance (1 of 4 stars; one submission).

Conditions:
Hereditary pancreatitis (PCTT). Also called: Hereditary chronic pancreatitis; PRSS1-Related Hereditary Pancreatitis. Identifiers: Orphanet 676, MedGen C0238339, MONDO:0008185, OMIM 167800.

Allele frequency attached by ClinVar (database versions not stated): TOPMed 0.00004; gnomAD exomes 0.00004.
gnomAD v4.1: 70 of 1,555,734 alleles (0.0045%); highest among the groups gnomAD compares: Middle Eastern, 0.057%; no homozygotes.

Submission:

Illumina Laboratory Services, Illumina
Classification: Uncertain significance for Hereditary pancreatitis. Last evaluated: 2017-04-27. Review status: criteria provided, single submitter. Criteria: ICSL Variant Classification Criteria 13 December 2019. Collection method: clinical testing. Allele origin: germline.
Comment: This variant was observed as part of a predisposition screen in an ostensibly healthy population. A literature search was performed for the gene, cDNA change, and amino acid change (where applicable). Publications were found based on this search. However, the evidence from the literature, in combination with allele frequency data from public databases where available, was not sufficient to rule this variant in or out of causing disease. Therefore, this variant is classified as a variant of unknown significance.

Literature cited by the submitters: PubMed 25792561; PubMed 26348468.